The following is an entry in ClinVar:

ClinVar aggregate classification (germline): Likely benign. Review status: criteria provided, multiple submitters, no conflicts (2 of 4 stars). 2 submissions from 2 submitters: Likely benign (2). Last evaluated 2023-08-29.

Conditions:
Cardiovascular phenotype. Identifiers: MedGen CN230736.

Submissions (2):

Ambry Genetics
Classification: Likely benign for Cardiovascular phenotype. Last evaluated: 2023-08-29. Review status: criteria provided, single submitter. Criteria: Ambry Variant Classification Scheme 2023. Collection method: clinical testing. Allele origin: germline.

Laboratory for Molecular Medicine, Mass General Brigham Personalized Medicine
Classification: Likely benign. Last evaluated: 2015-04-29. Review status: criteria provided, single submitter. Criteria: LMM Criteria. Collection method: clinical testing. Allele origin: germline. Observed: 1 variant allele.
Comment: p.Leu17492Leu in exon 252 of TTN: This variant is not expected to have clinical significance because it does not alter an amino acid residue and is not located within the splice consensus sequence.

NM_001267550.2(TTN):c.60180C>T (p.Leu20060=)

Genes: TTN (titin; minus strand), TTN-AS1 (TTN antisense RNA 1; plus strand), LOC126806424 (CDK7 strongly-dependent group 2 enhancer GRCh37_chr2:179456337-179457536; plus strand). Cytogenetic location: 2q31.2.
Variant type: single nucleotide variant.
Coding change: c.60180C>T on transcript NM_001267550.2 (MANE Select); coding-DNA position 60180, C replaced by T.
Protein change: p.Leu20060=; no amino-acid change (leucine 20060 retained).
Molecular consequence: synonymous variant.
Genome position (GRCh38, 1-based): chr2:178,591,639, G>A on the plus strand (C>T on the coding strand, the complement: TTN is on the minus strand). VCF-style: chr2-178591639-G-A. GRCh37 (hg19) VCF-style: chr2-179456366-G-A.
Other names: c.52476C>T, p.Leu17492= (NM_133378.4); c.55257C>T, p.Leu18419= (NM_001256850.1); c.32985C>T, p.Leu10995= (NM_003319.4); c.33360C>T, p.Leu11120= (NM_133432.3); c.33561C>T, p.Leu11187= (NM_133437.4).
Identifiers: ClinVar variation 228115 (VCV000228115.7), dbSNP rs876657610, ClinGen allele CA10576504.